The following is an entry in ClinVar:

ClinVar aggregate classification (germline): Uncertain significance. Review status: criteria provided, multiple submitters, no conflicts (2 of 4 stars). 2 submissions from 2 submitters: Uncertain significance (2). Last evaluated 2025-02-10.

Conditions:
Ehlers-Danlos syndrome, dermatosparaxis type. Also called: Ehlers-Danlos syndrome, type VII, autosomal recessive; EDS VIIC; Dermatosparaxis. Identifiers: Orphanet 1901, MedGen C2700425, MONDO:0009161, OMIM 225410.

Allele frequency attached by ClinVar (database versions not stated): gnomAD exomes below 0.00001 and 0.00001; TOPMed 0.00001.
gnomAD v4.1: 4 of 1,614,114 alleles (0.00025%); highest among the groups gnomAD compares: Non-Finnish European, 0.00034%; no homozygotes.

Submissions (2):

Women's Health and Genetics/Laboratory Corporation of America, LabCorp
Classification: Uncertain significance. Last evaluated: 2025-02-10. Review status: criteria provided, single submitter. Criteria: LabCorp Variant Classification Summary - May 2015. Collection method: clinical testing. Allele origin: germline.
Comment: Variant summary: ADAMTS2 c.1669A>G (p.Ile557Val) results in a conservative amino acid change in the encoded protein sequence. Three of five in-silico tools predict a benign effect of the variant on protein function. The variant allele was found at a frequency of 4e-06 in 251462 control chromosomes. The available data on variant occurrences in the general population are insufficient to allow any conclusion about variant significance. To our knowledge, no occurrence of c.1669A>G in individuals affected with Ehlers-Danlos syndrome, dermatosparaxis type and no experimental evidence demonstrating its impact on protein function have been reported. ClinVar contains an entry for this variant (Variation ID: 906203). Based on the evidence outlined above, the variant was classified as uncertain significance.

Illumina Laboratory Services, Illumina
Classification: Uncertain significance for Ehlers-Danlos syndrome, dermatosparaxis type. Last evaluated: 2018-01-13. Review status: criteria provided, single submitter. Criteria: ICSL Variant Classification Criteria 13 December 2019. Collection method: clinical testing. Allele origin: germline.

NM_014244.5(ADAMTS2):c.1669A>G (p.Ile557Val)

Gene: ADAMTS2 (ADAM metallopeptidase with thrombospondin type 1 motif 2; minus strand). Cytogenetic location: 5q35.3.
Variant type: single nucleotide variant.
Coding change: c.1669A>G on transcript NM_014244.5 (MANE Select); coding-DNA position 1669, A replaced by G.
Protein change: p.Ile557Val; replaces isoleucine 557 with valine.
Molecular consequence: missense variant.
Genome position (GRCh38, 1-based): chr5:179,139,996, T>C on the plus strand (A>G on the coding strand, the complement: ADAMTS2 is on the minus strand). VCF-style: chr5-179139996-T-C. GRCh37 (hg19) VCF-style: chr5-178566997-T-C.
Other names: short protein forms I557V.
Identifiers: ClinVar variation 906203 (VCV000906203.5), dbSNP rs1400281876, ClinGen allele CA362428449.